The following is an entry in ClinVar:

NM_004093.4(EFNB2):c.219T>G (p.Tyr73Ter)

Gene: EFNB2 (ephrin B2; minus strand). Cytogenetic location: 13q33.3.
Variant type: single nucleotide variant.
Coding change: c.219T>G on transcript NM_004093.4 (MANE Select); coding-DNA position 219, T replaced by G.
Protein change: p.Tyr73Ter; replaces tyrosine 73 with a stop codon.
Molecular consequence: nonsense.
Genome position (GRCh38, 1-based): chr13:106,512,716, A>C on the plus strand (T>G on the coding strand, the complement: EFNB2 is on the minus strand). VCF-style: chr13-106512716-A-C. GRCh37 (hg19) VCF-style: chr13-107165064-A-C.
Other names: c.219T>G, p.Tyr73Ter (NM_001372056.1, NM_001372057.1, NM_001372058.1); short protein forms Y73*.
Identifiers: ClinVar variation 928785 (VCV000928785.1), dbSNP rs1879182475, ClinGen allele CA388702270.
Genomic context (GRCh38, chr13:106,512,716, plus strand): 5'-CTTCTTAATAGTGCATCTGTCTGCTTGGTCTTTATCAACCATATAAACTTTATAATATTC[A>C]TACTGGCCAACAGTTTTAGAGTCCACTTTGGGGCAAATAATATCCAATTTGTCTCCTATC-3'

ClinVar aggregate classification (germline): Likely pathogenic (1 of 4 stars; one submission).

Submission:

Women's Health and Genetics/Laboratory Corporation of America, LabCorp
Classification: Likely pathogenic. Last evaluated: 2019-08-22. Review status: criteria provided, single submitter. Criteria: LabCorp Variant Classification Summary - May 2015. Collection method: clinical testing. Allele origin: germline.
Comment: Variant summary: EFNB2 c.219T>G (p.Tyr73X) results in a premature termination codon, predicted to cause a truncation of the encoded protein or absence of the protein due to nonsense mediated decay, which are commonly known mechanisms for disease. The variant was absent in 251174 control chromosomes (gnomAD). To our knowledge, no occurrence of c.219T>G in individuals affected with EFNB2-Related Disorders and no experimental evidence demonstrating its impact on protein function have been reported. A recent publication (PMID: 29508392) proposed that EFNB2 haploinsufficiency causes a syndromic neurodevelopmental disorder. Animal models indicate different phenotypic outcomes upon complete loss of the protein compared with mutants in which the C-terminal domain was lost (reviewed e.g. in PMID: 29360434, 30819650, 30909943). No clinical diagnostic laboratories have submitted clinical-significance assessments for this variant to ClinVar after 2014. Based on the evidence outlined above, the variant was classified as likely pathogenic.